The following is an entry in ClinVar:

NM_001083962.2(TCF4):c.1289T>G (p.Met430Arg)

Gene: TCF4 (transcription factor 4; minus strand). Cytogenetic location: 18q21.2.
Variant type: single nucleotide variant.
Coding change: c.1289T>G on transcript NM_001083962.2 (MANE Select); coding-DNA position 1289, T replaced by G.
Protein change: p.Met430Arg; replaces methionine 430 with arginine.
Molecular consequence: missense variant.
Genome position (GRCh38, 1-based): chr18:55,254,558, A>C on the plus strand (T>G on the coding strand, the complement: TCF4 is on the minus strand). VCF-style: chr18-55254558-A-C. GRCh37 (hg19) VCF-style: chr18-52921789-A-C.
Other names: c.1595T>G, p.Met532Arg (NM_001243226.3); c.1217T>G, p.Met406Arg (NM_001243227.2, NM_001306207.1, NM_001369575.1 and 5 more transcripts); c.1307T>G, p.Met436Arg (NM_001243228.2); c.1280T>G, p.Met427Arg (NM_001243230.2); c.1163T>G, p.Met388Arg (NM_001243231.2, NM_001348211.2); c.1076T>G, p.Met359Arg (NM_001243232.1, NM_001306208.1); c.899T>G, p.Met300Arg (NM_001243233.2, NM_001330605.3, NM_001348212.2 and 1 more transcripts); c.809T>G, p.Met270Arg (NM_001243234.2, NM_001243235.2, NM_001243236.2 and 1 more transcripts); and 6 more; short protein forms M430R, M269R, M405R, M427R, M300R, M406R, M429R, M532R.
Identifiers: ClinVar variation 580611 (VCV000580611.7), dbSNP rs1272053360, ClinGen allele CA402533374.

ClinVar aggregate classification (germline): Uncertain significance. Review status: criteria provided, multiple submitters, no conflicts (2 of 4 stars). 2 submissions from 2 submitters: Uncertain significance (2). Last evaluated 2025-04-04.

Conditions:
Inborn genetic diseases. Identifiers: MedGen C0950123, MeSH D030342.
Pitt-Hopkins syndrome (PTHS). Also called: ENCEPHALOPATHY, SEVERE EPILEPTIC, WITH AUTONOMIC DYSFUNCTION; MENTAL RETARDATION, SYNDROMAL, WITH INTERMITTENT HYPERVENTILATION. Identifiers: Orphanet 2896, MedGen C1970431, MONDO:0012589, OMIM 610954.

Allele frequency attached by ClinVar (database versions not stated): gnomAD 0.00001; TOPMed 0.00002.
gnomAD v4.1: 2 of 1,613,704 alleles (0.00012%); highest among the groups gnomAD compares: African/African-American, 0.0027%; no homozygotes.

Submissions (2):

Ambry Genetics
Classification: Uncertain significance for Inborn genetic diseases. Last evaluated: 2025-04-04. Review status: criteria provided, single submitter. Criteria: Ambry Variant Classification Scheme 2023. Collection method: clinical testing. Allele origin: germline.

Labcorp Genetics (formerly Invitae), Labcorp
Classification: Uncertain significance for Pitt-Hopkins syndrome. Last evaluated: 2024-06-03. Review status: criteria provided, single submitter. Criteria: Invitae Variant Classification Sherloc (09022015). Collection method: clinical testing. Allele origin: germline.
Comment: This sequence change replaces methionine, which is neutral and non-polar, with arginine, which is basic and polar, at codon 430 of the TCF4 protein (p.Met430Arg). This variant is not present in population databases (gnomAD no frequency). This variant has not been reported in the literature in individuals affected with TCF4-related conditions. ClinVar contains an entry for this variant (Variation ID: 580611). Advanced modeling of protein sequence and biophysical properties (such as structural, functional, and spatial information, amino acid conservation, physicochemical variation, residue mobility, and thermodynamic stability) performed at Invitae indicates that this missense variant is not expected to disrupt TCF4 protein function with a negative predictive value of 80%. In summary, the available evidence is currently insufficient to determine the role of this variant in disease. Therefore, it has been classified as a Variant of Uncertain Significance.